The following is an entry in ClinVar:

ClinVar aggregate classification (germline): Uncertain significance (1 of 4 stars; one submission).

Allele frequency attached by ClinVar (database versions not stated): gnomAD exomes 0.00001; TOPMed 0.00001.

Submission:

Labcorp Genetics (formerly Invitae), Labcorp
Classification: Uncertain significance. Last evaluated: 2024-09-09. Review status: criteria provided, single submitter. Criteria: Invitae Variant Classification Sherloc (09022015). Collection method: clinical testing. Allele origin: germline.
Comment: This sequence change replaces leucine, which is neutral and non-polar, with proline, which is neutral and non-polar, at codon 538 of the TELO2 protein (p.Leu538Pro). The frequency data for this variant in the population databases is considered unreliable, as metrics indicate poor data quality at this position in the gnomAD database. This variant has not been reported in the literature in individuals affected with TELO2-related conditions. ClinVar contains an entry for this variant (Variation ID: 1982931). Invitae Evidence Modeling of protein sequence and biophysical properties (such as structural, functional, and spatial information, amino acid conservation, physicochemical variation, residue mobility, and thermodynamic stability) indicates that this missense variant is expected to disrupt TELO2 protein function with a positive predictive value of 80%. In summary, the available evidence is currently insufficient to determine the role of this variant in disease. Therefore, it has been classified as a Variant of Uncertain Significance.

NM_016111.4(TELO2):c.1613T>C (p.Leu538Pro)

Gene: TELO2 (telomere maintenance 2; plus strand). Cytogenetic location: 16p13.3.
Variant type: single nucleotide variant.
Coding change: c.1613T>C on transcript NM_016111.4 (MANE Select); coding-DNA position 1613, T replaced by C.
Protein change: p.Leu538Pro; replaces leucine 538 with proline.
Molecular consequence: missense variant.
Genome position (GRCh38, 1-based): chr16:1,502,364, T>C. VCF-style: chr16-1502364-T-C. GRCh37 (hg19) VCF-style: chr16-1552365-T-C.
Other names: c.1613T>C, p.Leu538Pro (NM_001351846.2); short protein forms L538P.
Identifiers: ClinVar variation 1982931 (VCV001982931.2), dbSNP rs980958152, ClinGen allele CA276659237.
Genomic context (GRCh38, chr16:1,502,364, plus strand): 5'-TCTGTGCAGCCCTGACCACGTCTGAGGACATAGAGCGCTGGGAGGCAGCCCTGCGGGCCC[T>C]TGAGGGCCTGGTCTACAGGAGCCCCACAGCCACTCGGGAGGTGAGTGGGGGGCGGGAGTG-3'
Protein context (NP_057195.2, residues 528-548): IERWEAALRA[Leu538Pro]EGLVYRSPTA